The following is an entry in ClinVar:

NM_005267.5(GJA8):c.2dup (p.Met1fs)

Gene: GJA8 (gap junction protein alpha 8; plus strand). Cytogenetic location: 1q21.2.
Variant type: Duplication.
Coding change: c.2dup on transcript NM_005267.5 (MANE Select); coding-DNA position 2, one base duplicated (T; older notation c.2dupT).
Protein change: p.Met1fs; shifts the reading frame from methionine 1.
Molecular consequence: frameshift variant, initiator codon variant.
Genome position (GRCh38, 1-based): chr1:147,907,957, T duplicated. VCF-style (leftmost placement, unchanged base first): chr1-147907956-A-AT. GRCh37 (hg19) VCF-style: chr1-147380083-A-AT.
Other names: short protein forms M1fs.
Identifiers: ClinVar variation 4991364 (VCV004991364.1).
Genomic context (GRCh38, chr1:147,907,956, plus strand): 5'-GGGTTGCATTGCGGCCGCTCAGCTCTTGCCTTCTCCCTCATTTCTTCAGGTGGGTGAGAA[A>AT]TGGGCGACTGGAGTTTCCTGGGGAACATCTTGGAGGAGGTGAATGAGCACTCCACCGTCA-3'

ClinVar aggregate classification (germline): Uncertain significance (1 of 4 stars; one submission).

Conditions:
GJA8-related disorder. Also called: GJA8-related condition.

Submission:

PreventionGenetics, part of Exact Sciences
Classification: Uncertain significance for GJA8-related condition. Last evaluated: 2026-09-18. Review status: criteria provided, single submitter. Criteria: ACMG Guidelines, 2015. Collection method: clinical testing. Allele origin: germline.
Comment: The GJA8 c.2dupT variant is predicted to disrupt the translation initiation site (Start Loss). To our knowledge, this variant has not been reported in the literature. This variant is present in 0.00088% of alleles in individuals of European (Non-Finnish) descent in gnomAD. Although we suspect that this variant may be pathogenic for autosomal recessive disease, at this time, the clinical significance of this variant is uncertain due to the absence of conclusive functional and genetic evidence.